The following is an entry in ClinVar:

NM_004360.5(CDH1):c.49-1G>C

Gene: CDH1 (cadherin 1; plus strand). Cytogenetic location: 16q22.1.
Variant type: single nucleotide variant.
Coding change: c.49-1G>C on transcript NM_004360.5 (MANE Select); the canonical splice acceptor site of the intron before coding-DNA position 49, G replaced by C.
Molecular consequence: splice acceptor variant.
Genome position (GRCh38, 1-based): chr16:68,738,296, G>C. VCF-style: chr16-68738296-G-C. GRCh37 (hg19) VCF-style: chr16-68772199-G-C.
Other names: c.-1567-1G>C (NM_001317185.2); c.-1771-1G>C (NM_001317186.2); c.49-1G>C (NM_001317184.2).
Identifiers: ClinVar variation 1801544 (VCV001801544.5), dbSNP rs2152114329, ClinGen allele CA396451565.

ClinVar aggregate classification (germline): Pathogenic/Likely pathogenic. Review status: criteria provided, multiple submitters, no conflicts (2 of 4 stars). 3 submissions from 3 submitters: Pathogenic (1); Likely pathogenic (1). 1 of the submissions does not count toward it. Last evaluated 2022-11-12.

Conditions:
Gastric cancer. Also called: Malignant tumor of stomach; Stomach cancer. Identifiers: MedGen C0024623, MeSH D013274, MONDO:0001056, OMIM 613659, HP:0012126.
Hereditary diffuse gastric adenocarcinoma (HDGC). Also called: DIFFUSE GASTRIC AND LOBULAR BREAST CANCER SYNDROME. Identifiers: Orphanet 26106, MedGen C1708349, MONDO:0007648, OMIM 137215.

Submissions (3):

Labcorp Genetics (formerly Invitae), Labcorp
Classification: Pathogenic for Hereditary diffuse gastric adenocarcinoma. Last evaluated: 2022-11-12. Review status: criteria provided, single submitter. Criteria: Invitae Variant Classification Sherloc (09022015). Collection method: clinical testing. Allele origin: germline.
Comment: For these reasons, this variant has been classified as Pathogenic. Algorithms developed to predict the effect of sequence changes on RNA splicing suggest that this variant may disrupt the consensus splice site. Disruption of this splice site has been observed in individuals with hereditary diffuse gastric cancer (PMID: 10072428, 28688938). This variant is not present in population databases (gnomAD no frequency). This sequence change affects an acceptor splice site in intron 1 of the CDH1 gene. It is expected to disrupt RNA splicing. Variants that disrupt the donor or acceptor splice site typically lead to a loss of protein function (PMID: 16199547), and loss-of-function variants in CDH1 are known to be pathogenic (PMID: 15235021, 20373070).

European Reference Network on Genetic Tumour Risk Syndromes (ERN-GENTURIS), i3s - Instituto de Investigação e Inovação em Saúde, University of Porto
Classification: Likely pathogenic for Hereditary diffuse gastric adenocarcinoma. Last evaluated: 2022-08-01. Review status: criteria provided, single submitter. Criteria: Lee et al. (Hum Mutat. 2018). Collection method: clinical testing. Allele origin: germline. Inheritance: Autosomal dominant inheritance. Affected: yes. Study: ERN GENTURIS.
Comment: PVS1_Strong; PS4_Supporting; PM2 (PMID: 30311375)

Laboratory for Genotyping Development, RIKEN
Classification: Pathogenic for Gastric cancer. Last evaluated: 2021-07-01. Review status: no assertion criteria provided. Collection method: research. Allele origin: germline. Not counted in ClinVar's aggregate classification.

Literature cited by the submitters: PubMed 10072428 (cited by Labcorp Genetics (formerly Invitae), Labcorp); PubMed 28688938 (cited by Labcorp Genetics (formerly Invitae), Labcorp); PubMed 16199547 (cited by Labcorp Genetics (formerly Invitae), Labcorp); PubMed 15235021 (cited by Labcorp Genetics (formerly Invitae), Labcorp); PubMed 20373070 (cited by Labcorp Genetics (formerly Invitae), Labcorp); PubMed 36436516 (cited by European Reference Network on Genetic Tumour Risk Syndromes (ERN-GENTURIS), i3s - Instituto de Investigação e Inovação em Saúde, University of Porto); PubMed 36988593 (cited by Laboratory for Genotyping Development, RIKEN).